The following is an entry in ClinVar:

NM_001041.4(SI):c.3346dup (p.Glu1116fs)

Gene: SI (sucrase-isomaltase; minus strand). Cytogenetic location: 3q26.1.
Variant type: Duplication.
Coding change: c.3346dup on transcript NM_001041.4 (MANE Select); coding-DNA position 3346, one base duplicated (G; older notation c.3346dupG).
Protein change: p.Glu1116fs; shifts the reading frame from glutamic acid 1116.
Molecular consequence: frameshift variant.
Genome position (GRCh38, 1-based): chr3:165,019,679, C duplicated on the plus strand (G on the coding strand, the reverse complement: SI is on the minus strand); the first of 4 consecutive C bases (chr3:165,019,679-165,019,682); duplicating any one gives the same sequence. VCF-style (leftmost placement, unchanged base first): chr3-165019678-T-TC. GRCh37 (hg19) VCF-style: chr3-164737466-T-TC.
Other names: short protein forms E1116fs.
Identifiers: ClinVar variation 3058238 (VCV003058238.2), dbSNP rs2473282291, ClinGen allele CA2740091051.

ClinVar aggregate classification (germline): Likely pathogenic (0 of 4 stars; one submission).

Conditions:
SI-related disorder. Also called: SI-related condition.

Submission:

PreventionGenetics, part of Exact Sciences
Classification: Likely pathogenic for SI-related condition. Last evaluated: 2024-02-14. Review status: no assertion criteria provided. Collection method: clinical testing. Allele origin: germline.
Comment: The SI c.3346dupG variant is predicted to result in a frameshift and premature protein termination (p.Glu1116Glyfs*8). To our knowledge, this variant has not been reported in the literature or in a large population database, indicating this variant is rare. Frameshift variants in SI are expected to be pathogenic. This variant is interpreted as likely pathogenic.